The following is an entry in ClinVar:

ClinVar aggregate classification (germline): Uncertain significance (1 of 4 stars; one submission).

Allele frequency attached by ClinVar (database versions not stated): TOPMed 0.00002; gnomAD 0.00001; gnomAD exomes 0.00001.
gnomAD v4.1: 13 of 1,613,978 alleles (0.00081%); highest among the groups gnomAD compares: Admixed American, 0.0033%; no homozygotes.

Submission:

Women's Health and Genetics/Laboratory Corporation of America, LabCorp
Classification: Uncertain significance. Last evaluated: 2021-11-21. Review status: criteria provided, single submitter. Criteria: LabCorp Variant Classification Summary - May 2015. Collection method: clinical testing. Allele origin: germline.
Comment: Variant summary: ABCA1 c.6181G>A (p.Gly2061Ser) results in a non-conservative amino acid change located in the ABC transporter-like, ATP-binding domain (IPR003439) of the encoded protein sequence. Five of five in-silico tools predict a damaging effect of the variant on protein function. The variant allele was found at a frequency of 8e-06 in 251430 control chromosomes. The available data on variant occurrences in the general population are insufficient to allow any conclusion about variant significance. To our knowledge, no occurrence of c.6181G>A in individuals affected with Early Onset Coronary Artery Disease has been reported. One publication reports experimental evidence evaluating an impact on protein function, however, does not allow convincing conclusions about the variant effect. No other clinical diagnostic laboratories have submitted clinical-significance assessments for this variant to ClinVar after 2014. Based on the evidence outlined above, the variant was classified as uncertain significance.

NM_005502.4(ABCA1):c.6181G>A (p.Gly2061Ser)

Genes: ABCA1 (ATP binding cassette subfamily A member 1; minus strand), NIPSNAP3B (nipsnap homolog 3B; plus strand). Cytogenetic location: 9q31.1.
Variant type: single nucleotide variant.
Coding change: c.6181G>A on transcript NM_005502.4 (MANE Select); coding-DNA position 6181, G replaced by A.
Protein change: p.Gly2061Ser; replaces glycine 2061 with serine.
Molecular consequence: missense variant.
Genome position (GRCh38, 1-based): chr9:104,787,943, C>T on the plus strand (G>A on the coding strand, the complement: ABCA1 is on the minus strand). VCF-style: chr9-104787943-C-T. GRCh37 (hg19) VCF-style: chr9-107550224-C-T.
Other names: short protein forms G2061S.
Identifiers: ClinVar variation 496294 (VCV000496294.3), dbSNP rs751548064, ClinGen allele CA197352546.